The following is an entry in ClinVar:

NM_007294.4(BRCA1):c.5326C>A (p.Pro1776Thr)

Gene: BRCA1 (BRCA1 DNA repair associated; minus strand). Cytogenetic location: 17q21.31.
Variant type: single nucleotide variant.
Coding change: c.5326C>A on transcript NM_007294.4 (MANE Select); coding-DNA position 5326, C replaced by A.
Protein change: p.Pro1776Thr; replaces proline 1776 with threonine.
Molecular consequence: missense variant. On other transcripts: non-coding transcript variant (1).
Genome position (GRCh38, 1-based): chr17:43,051,069, G>T on the plus strand (C>A on the coding strand, the complement: BRCA1 is on the minus strand). VCF-style: chr17-43051069-G-T. GRCh37 (hg19) VCF-style: chr17-41203086-G-T.
Other names: c.5179C>A, p.Pro1727Thr (NM_001407838.1, NM_001407839.1, NM_001407841.1 and 12 more transcripts); c.5185C>A, p.Pro1729Thr (NM_001407942.1, NM_007297.4, NM_001407725.1 and 13 more transcripts); c.5182C>A, p.Pro1728Thr (NM_001407943.1, NM_001407944.1, NM_001407945.1 and 21 more transcripts); c.4987C>A, p.Pro1663Thr (NM_001407956.1, NM_001407957.1, NM_001407958.1); c.4945C>A, p.Pro1649Thr (NM_001407959.1); c.4942C>A, p.Pro1648Thr (NM_001407960.1, NM_001407962.1); c.4939C>A, p.Pro1647Thr (NM_001407963.1); c.4864C>A, p.Pro1622Thr (NM_001407964.1); and 72 more; short protein forms P1729T, P1797T, P1776T, P672T, P1479T, P1607T, P1649T, P1686T.
Identifiers: ClinVar variation 865307 (VCV000865307.8), dbSNP rs1800757, ClinGen allele CA10590899.

ClinVar aggregate classification (germline): Uncertain significance (1 of 4 stars; one submission).

Conditions:
Hereditary breast ovarian cancer syndrome. Also called: Hereditary breast and/or ovarian cancer syndrome; BRCA1- and BRCA2-Associated Hereditary Breast and Ovarian Cancer; Hereditary breast and ovarian cancer syndrome; Hereditary breast and ovarian cancer; Hereditary breast and ovarian cancer syndrome (HBOC); Breast and ovarian cancer. Identifiers: Orphanet 145, MedGen C0677776, MeSH D061325, MONDO:0003582. Disease mechanism: loss of function.

Submissions (2):

Labcorp Genetics (formerly Invitae), Labcorp
Classification: Uncertain significance for Hereditary breast ovarian cancer syndrome. Last evaluated: 2022-04-28. Review status: criteria provided, single submitter. Criteria: Invitae Variant Classification Sherloc (09022015). Collection method: clinical testing. Allele origin: germline.
Comment: This sequence change replaces proline, which is neutral and non-polar, with threonine, which is neutral and polar, at codon 1776 of the BRCA1 protein (p.Pro1776Thr). This variant is not present in population databases (gnomAD no frequency). In summary, the available evidence is currently insufficient to determine the role of this variant in disease. Therefore, it has been classified as a Variant of Uncertain Significance. Experimental studies have shown that this missense change does not substantially affect BRCA1 function (PMID: 30209399). Advanced modeling of experimental studies (such as gene expression, population dynamics, functional pathways, and cell-cycle effects in cell culture) performed at Invitae indicates that this missense variant is not expected to disrupt BRCA1 protein function. ClinVar contains an entry for this variant (Variation ID: 865307). This variant has not been reported in the literature in individuals affected with BRCA1-related conditions.

Brotman Baty Institute, University of Washington
No classification provided (evidence only). Condition: Breast-ovarian cancer, familial 1. Review status: no classification provided. Collection method: in vitro. Allele origin: not applicable. Functional consequence: functionally_normal. Not counted in ClinVar's aggregate classification.
ClinVar note: "not provided" was previously submitted as the classification for the variant. However, the classification appeared to be based only on an observation of functional data so it was converted to no classification on 2025-07-30.

Literature cited by the submitters: PubMed 30209399 (cited by Labcorp Genetics (formerly Invitae), Labcorp).